The following is an entry in ClinVar:

ClinVar aggregate classification (germline): Uncertain significance (1 of 4 stars; one submission).

Allele frequency attached by ClinVar (database versions not stated): gnomAD exomes below 0.00001; gnomAD 0.00001.
gnomAD v4.1: 2 of 1,550,144 alleles (0.00013%); highest among the groups gnomAD compares: Non-Finnish European, 0.00017%; no homozygotes.

Submission:

Labcorp Genetics (formerly Invitae), Labcorp
Classification: Uncertain significance. Last evaluated: 2021-09-02. Review status: criteria provided, single submitter. Criteria: Invitae Variant Classification Sherloc (09022015). Collection method: clinical testing. Allele origin: germline.
Comment: This sequence change replaces glutamic acid with glycine at codon 555 of the PDZD7 protein (p.Glu555Gly). The glutamic acid residue is weakly conserved and there is a moderate physicochemical difference between glutamic acid and glycine. The frequency data for this variant in the population databases is considered unreliable, as metrics indicate insufficient coverage at this position in the ExAC database. This variant has not been reported in the literature in individuals affected with PDZD7-related conditions. ClinVar contains an entry for this variant (Variation ID: 1057477). Algorithms developed to predict the effect of missense changes on protein structure and function are either unavailable or do not agree on the potential impact of this missense change (SIFT: "Deleterious"; PolyPhen-2: "Not Available"; Align-GVGD: "Class C0"). In summary, the available evidence is currently insufficient to determine the role of this variant in disease. Therefore, it has been classified as a Variant of Uncertain Significance.

NM_001195263.2(PDZD7):c.1664A>G (p.Glu555Gly)

Gene: PDZD7 (PDZ domain containing 7; minus strand). Cytogenetic location: 10q24.31.
Variant type: single nucleotide variant.
Coding change: c.1664A>G on transcript NM_001195263.2 (MANE Select); coding-DNA position 1664, A replaced by G.
Protein change: p.Glu555Gly; replaces glutamic acid 555 with glycine.
Molecular consequence: missense variant.
Genome position (GRCh38, 1-based): chr10:101,015,721, T>C on the plus strand (A>G on the coding strand, the complement: PDZD7 is on the minus strand). VCF-style: chr10-101015721-T-C. GRCh37 (hg19) VCF-style: chr10-102775478-T-C.
Other names: short protein forms E555G.
Identifiers: ClinVar variation 1057477 (VCV001057477.4), dbSNP rs1042478798, ClinGen allele CA212981960.